The following is an entry in ClinVar:

ClinVar aggregate classification (germline): Uncertain significance (1 of 4 stars; one submission).

Allele frequency attached by ClinVar (database versions not stated): TOPMed below 0.00001.

Submission:

Labcorp Genetics (formerly Invitae), Labcorp
Classification: Uncertain significance. Last evaluated: 2022-04-08. Review status: criteria provided, single submitter. Criteria: Invitae Variant Classification Sherloc (09022015). Collection method: clinical testing. Allele origin: germline.
Comment: This sequence change replaces alanine, which is neutral and non-polar, with glycine, which is neutral and non-polar, at codon 296 of the ITPR1 protein (p.Ala296Gly). This variant is not present in population databases (gnomAD no frequency). This variant has not been reported in the literature in individuals affected with ITPR1-related conditions. Algorithms developed to predict the effect of missense changes on protein structure and function are either unavailable or do not agree on the potential impact of this missense change (SIFT: "Tolerated"; PolyPhen-2: "Probably Damaging"; Align-GVGD: "Class C0"). In summary, the available evidence is currently insufficient to determine the role of this variant in disease. Therefore, it has been classified as a Variant of Uncertain Significance.

NM_001378452.1(ITPR1):c.887C>G (p.Ala296Gly)

Gene: ITPR1 (inositol 1,4,5-trisphosphate receptor type 1; plus strand). Cytogenetic location: 3p26.1.
Variant type: single nucleotide variant.
Coding change: c.887C>G on transcript NM_001378452.1 (MANE Select); coding-DNA position 887, C replaced by G.
Protein change: p.Ala296Gly; replaces alanine 296 with glycine.
Molecular consequence: missense variant.
Genome position (GRCh38, 1-based): chr3:4,652,154, C>G. VCF-style: chr3-4652154-C-G. GRCh37 (hg19) VCF-style: chr3-4693838-C-G.
Other names: c.887C>G, p.Ala296Gly (NM_001099952.4, NM_001168272.2, NM_002222.7); short protein forms A296G.
Identifiers: ClinVar variation 1490554 (VCV001490554.6), dbSNP rs746760261, ClinGen allele CA351637887.